The following is an entry in ClinVar:

ClinVar aggregate classification (germline): Pathogenic (1 of 4 stars; one submission).

Submission:

Labcorp Genetics (formerly Invitae), Labcorp
Classification: Pathogenic. Last evaluated: 2021-05-29. Review status: criteria provided, single submitter. Criteria: Invitae Variant Classification Sherloc (09022015). Collection method: clinical testing. Allele origin: germline.
Comment: For these reasons, this variant has been classified as Pathogenic. This variant has not been reported in the literature in individuals with MUT-related conditions. This variant is not present in population databases (ExAC no frequency). This sequence change creates a premature translational stop signal (p.Ser357*) in the MUT gene. It is expected to result in an absent or disrupted protein product. Loss-of-function variants in MUT are known to be pathogenic (PMID: 15781192).

Literature cited by the submitters: PubMed 15781192.

NM_000255.4(MMUT):c.1070C>G (p.Ser357Ter)

Gene: MMUT (methylmalonyl-CoA mutase; minus strand). Cytogenetic location: 6p12.3.
Variant type: single nucleotide variant.
Coding change: c.1070C>G on transcript NM_000255.4 (MANE Select); coding-DNA position 1070, C replaced by G.
Protein change: p.Ser357Ter; replaces serine 357 with a stop codon.
Molecular consequence: nonsense.
Genome position (GRCh38, 1-based): chr6:49,453,598, G>C on the plus strand (C>G on the coding strand, the complement: MMUT is on the minus strand). VCF-style: chr6-49453598-G-C. GRCh37 (hg19) VCF-style: chr6-49421311-G-C.
Other names: short protein forms S357*.
Identifiers: ClinVar variation 1424166 (VCV001424166.6), dbSNP rs2127418623, ClinGen allele CA364400143.
Genomic context (GRCh38, chr6:49,453,598, plus strand): 5'-ATATATATAACTTTATTAAAATTCTACATTTTAAATTATATACATACCTGCTCAGTAAGT[G>C]ACCATCCAGATGTCTGACAGTGTGCTCTTAGAAGAAGAGATTTTGAGTTTTTAGGCTGAA-3'